The following is an entry in ClinVar:

ClinVar aggregate classification (germline): Pathogenic (1 of 4 stars; one submission).

Submission:

GeneDx
Classification: Pathogenic. Last evaluated: 2015-09-08. Review status: criteria provided, single submitter. Criteria: GeneDx Variant Classification (06012015). Collection method: clinical testing. Allele origin: germline. Affected: yes.
Comment: The c.3345dupT duplication in the NPHP3 gene has not been reported previously as a pathogenic variant nor as a benign polymorphism, to our knowledge. The c.3345dupT duplication causes a frameshiftstarting with codon Leucine 1116, changes this amino acid to a Serine residue, and creates a prematureStop codon at position 18 of the new reading frame, denoted p.Leu1116SerfsX18. This variant ispredicted to cause loss of normal protein function either through protein truncation or nonsense-mediatedmRNA decay. The c.3345dupT duplicatin was not observed in approximately 6500 individuals of Europeanand African American ancestry in the NHLBI Exome Sequencing Project, indicating it is not a commonbenign variant in these populations. We interpret c.3345dupT as a pathogenic variant.

NM_153240.5(NPHP3):c.3345dup (p.Leu1116fs)

Genes: NPHP3 (nephrocystin 3; minus strand), NPHP3-ACAD11 (NPHP3-ACAD11 readthrough (NMD candidate); minus strand). Cytogenetic location: 3q22.1.
Variant type: Duplication.
Coding change: c.3345dup on transcript NM_153240.5 (MANE Select); coding-DNA position 3345, one base duplicated (T; older notation c.3345dupT).
Protein change: p.Leu1116fs; shifts the reading frame from leucine 1116.
Molecular consequence: frameshift variant. On other transcripts: non-coding transcript variant (1).
Genome position (GRCh38, 1-based): chr3:132,684,779, A duplicated on the plus strand (T on the coding strand, the reverse complement: NPHP3 is on the minus strand); the first of 3 consecutive A bases (chr3:132,684,779-132,684,781); duplicating any one gives the same sequence. VCF-style (leftmost placement, unchanged base first): chr3-132684778-G-GA. GRCh37 (hg19) VCF-style: chr3-132403622-G-GA.
Other names: short protein forms L1116fs.
Identifiers: ClinVar variation 419574 (VCV000419574.2), dbSNP rs1553771818, ClinGen allele CA16617829.